The following is an entry in ClinVar:

ClinVar aggregate classification (germline): Likely benign. Review status: criteria provided, multiple submitters, no conflicts (2 of 4 stars). 5 submissions from 5 submitters: Likely benign (5). Last evaluated 2025-09-07.

Conditions:
Cardiomyopathy (CMYO). Also called: Cardiomyopathies. Identifiers: Orphanet 167848, MedGen C0878544, MONDO:0004994, HP:0001638. Inheritance: Various modes of inheritance.
Cardiovascular phenotype. Identifiers: MedGen CN230736.
Hypertrophic cardiomyopathy. Also called: HYPERTROPHIC MYOCARDIOPATHY. Identifiers: Orphanet 217569, MedGen C0007194, MeSH D002312, MONDO:0005045, HP:0001639.

Allele frequency attached by ClinVar (database versions not stated): gnomAD exomes below 0.00001; ExAC 0.00001.
gnomAD v4.1: 1 of 1,614,020 alleles (0.000062%); highest among the groups gnomAD compares: Non-Finnish European, 0.000085%; no homozygotes.

Submissions (5):

Labcorp Genetics (formerly Invitae), Labcorp
Classification: Likely benign for Hypertrophic cardiomyopathy. Last evaluated: 2025-09-07. Review status: criteria provided, single submitter. Criteria: Invitae Variant Classification Sherloc (09022015). Collection method: clinical testing. Allele origin: germline.

Color Diagnostics, LLC DBA Color Health
Classification: Likely benign for Cardiomyopathy. Last evaluated: 2025-03-09. Review status: criteria provided, single submitter. Criteria: ACMG Guidelines, 2015. Collection method: clinical testing. Allele origin: germline.

Women's Health and Genetics/Laboratory Corporation of America, LabCorp
Classification: Likely benign. Last evaluated: 2021-08-21. Review status: criteria provided, single submitter. Criteria: LabCorp Variant Classification Summary - May 2015. Collection method: clinical testing. Allele origin: germline.

GeneDx
Classification: Likely benign. Last evaluated: 2017-08-22. Review status: criteria provided, single submitter. Criteria: GeneDx Variant Classification (06012015). Collection method: clinical testing. Allele origin: germline. Affected: yes.
Comment: This variant is considered likely benign or benign based on one or more of the following criteria: it is a conservative change, it occurs at a poorly conserved position in the protein, it is predicted to be benign by multiple in silico algorithms, and/or has population frequency not consistent with disease.

Ambry Genetics
Classification: Likely benign for Cardiovascular phenotype. Last evaluated: 2016-02-25. Review status: criteria provided, single submitter. Criteria: Ambry Variant Classification Scheme 2023. Collection method: clinical testing. Allele origin: germline.

NM_000257.4(MYH7):c.2931C>T (p.Asn977=)

Gene: MYH7 (myosin heavy chain 7; minus strand). Cytogenetic location: 14q11.2.
Variant type: single nucleotide variant.
Coding change: c.2931C>T on transcript NM_000257.4 (MANE Select); coding-DNA position 2931, C replaced by T.
Protein change: p.Asn977=; no amino-acid change (asparagine 977 retained).
Molecular consequence: synonymous variant.
Genome position (GRCh38, 1-based): chr14:23,423,715, G>A on the plus strand (C>T on the coding strand, the complement: MYH7 is on the minus strand). VCF-style: chr14-23423715-G-A. GRCh37 (hg19) VCF-style: chr14-23892924-G-A.
Other names: c.2931C>T (LRG_384t1).
Identifiers: ClinVar variation 378978 (VCV000378978.16), dbSNP rs757313728, ClinGen allele CA034951.